The following is an entry in ClinVar:

ClinVar aggregate classification (germline): Pathogenic. Review status: criteria provided, single submitter (1 of 4 stars). 2 submissions from 2 submitters: Pathogenic (1). 1 of the submissions does not count toward it. Last evaluated 2019-12-17.

Conditions:
Intellectual developmental disorder, autosomal dominant 1. Also called: Intellectual disability, autosomal dominant 1; MBD5 Haploinsufficiency. Identifiers: Orphanet 228402, MedGen C1969562, MONDO:0007974, OMIM 156200.

Submissions (2):

Department of Medical Genetics, Hue University of Medicine and Pharmacy
Classification: Pathogenic for Intellectual developmental disorder, autosomal dominant 1. Last evaluated: 2019-12-17. Review status: criteria provided, single submitter. Criteria: ACMG Guidelines, 2015. Collection method: clinical testing. Allele origin: unknown. Inheritance: Autosomal dominant inheritance. Affected: yes. Observed: 1 heterozygote.
Comment: intellectual disability, epilepsy, autism

OMIM
Classification: Pathogenic for INTELLECTUAL DEVELOPMENTAL DISORDER, AUTOSOMAL DOMINANT 1. Last evaluated: 2022-10-28. Review status: no assertion criteria provided. Collection method: literature only. Allele origin: germline. Not counted in ClinVar's aggregate classification.

Literature cited by the submitters: PubMed 33427406 (cited by OMIM).

NM_001378120.1(MBD5):c.217-1G>C

Gene: MBD5 (methyl-CpG binding domain protein 5; plus strand). Cytogenetic location: 2q23.1.
Variant type: single nucleotide variant.
Coding change: c.217-1G>C on transcript NM_001378120.1 (MANE Select); the canonical splice acceptor site of the intron before coding-DNA position 217, G replaced by C.
Molecular consequence: splice acceptor variant.
Genome position (GRCh38, 1-based): chr2:148,463,738, G>C. VCF-style: chr2-148463738-G-C. GRCh37 (hg19) VCF-style: chr2-149221307-G-C.
Other names: IVS6, G-C, -1; c.217-1G>C (NM_018328.5).
Identifiers: ClinVar variation 973733 (VCV000973733.4), dbSNP rs1707171202, ClinGen allele CA348716305.